The following is an entry in ClinVar:

NM_001105206.3(LAMA4):c.356G>A (p.Gly119Glu)

Gene: LAMA4 (laminin subunit alpha 4; minus strand). Cytogenetic location: 6q21.
Variant type: single nucleotide variant.
Coding change: c.356G>A on transcript NM_001105206.3 (MANE Select); coding-DNA position 356, G replaced by A.
Protein change: p.Gly119Glu; replaces glycine 119 with glutamic acid.
Molecular consequence: missense variant.
Genome position (GRCh38, 1-based): chr6:112,207,087, C>T on the plus strand (G>A on the coding strand, the complement: LAMA4 is on the minus strand). VCF-style: chr6-112207087-C-T. GRCh37 (hg19) VCF-style: chr6-112528288-C-T.
Other names: c.356G>A, p.Gly119Glu (NM_001105207.3, NM_002290.5); short protein forms G119E.
Identifiers: ClinVar variation 1388525 (VCV001388525.8), dbSNP rs1452226611, ClinGen allele CA365381027.

ClinVar aggregate classification (germline): Uncertain significance (1 of 4 stars; one submission).

Conditions:
Dilated cardiomyopathy 1JJ (CMD1JJ). Identifiers: Orphanet 154, MedGen C3808935, MONDO:0014095, OMIM 615235.

Submission:

Labcorp Genetics (formerly Invitae), Labcorp
Classification: Uncertain significance for Dilated cardiomyopathy 1JJ. Last evaluated: 2025-09-08. Review status: criteria provided, single submitter. Criteria: Invitae Variant Classification Sherloc (09022015). Collection method: clinical testing. Allele origin: germline.
Comment: This sequence change replaces glycine, which is neutral and non-polar, with glutamic acid, which is acidic and polar, at codon 119 of the LAMA4 protein (p.Gly119Glu). This variant is not present in population databases (gnomAD no frequency). This variant has not been reported in the literature in individuals affected with LAMA4-related conditions. ClinVar contains an entry for this variant (Variation ID: 1388525). Invitae Evidence Modeling of protein sequence and biophysical properties (such as structural, functional, and spatial information, amino acid conservation, physicochemical variation, residue mobility, and thermodynamic stability) indicates that this missense variant is expected to disrupt LAMA4 protein function with a positive predictive value of 80%. In summary, the available evidence is currently insufficient to determine the role of this variant in disease. Therefore, it has been classified as a Variant of Uncertain Significance.